The following is an entry in ClinVar:

NM_004370.6(COL12A1):c.6266C>T (p.Thr2089Ile)

Gene: COL12A1 (collagen type XII alpha 1 chain; minus strand). Cytogenetic location: 6q13.
Variant type: single nucleotide variant.
Coding change: c.6266C>T on transcript NM_004370.6 (MANE Select); coding-DNA position 6266, C replaced by T.
Protein change: p.Thr2089Ile; replaces threonine 2089 with isoleucine.
Molecular consequence: missense variant.
Genome position (GRCh38, 1-based): chr6:75,128,370, G>A on the plus strand (C>T on the coding strand, the complement: COL12A1 is on the minus strand). VCF-style: chr6-75128370-G-A. GRCh37 (hg19) VCF-style: chr6-75838086-G-A.
Other names: c.6266C>T, p.Thr2089Ile (NM_001424113.1); c.6245C>T, p.Thr2082Ile (NM_001424114.1); c.5993C>T, p.Thr1998Ile (NM_001424115.1); c.2774C>T, p.Thr925Ile (NM_001424116.1, NM_080645.3); short protein forms T2082I, T2089I, T925I, T1998I.
Identifiers: ClinVar variation 2929300 (VCV002929300.3), dbSNP rs1337934217, ClinGen allele CA364730428.

ClinVar aggregate classification (germline): Uncertain significance (1 of 4 stars; one submission).

Conditions:
Ullrich congenital muscular dystrophy 2 (UCMD2). Identifiers: Orphanet 75840, MedGen C4225314, MONDO:0014654, OMIM 616470.
Bethlem myopathy 2 (BTHLM2). Identifiers: Orphanet 536516, Orphanet 610, MedGen C4225313, MONDO:0034022, OMIM 616471.

Allele frequency attached by ClinVar (database versions not stated): gnomAD exomes below 0.00001; gnomAD 0.00001; TOPMed 0.00001.
gnomAD v4.1: 3 of 1,610,426 alleles (0.00019%); highest among the groups gnomAD compares: African/African-American, 0.0027%; no homozygotes.

Submission:

Labcorp Genetics (formerly Invitae), Labcorp
Classification: Uncertain significance for Bethlem myopathy 2; Ullrich congenital muscular dystrophy 2. Last evaluated: 2024-01-11. Review status: criteria provided, single submitter. Criteria: Invitae Variant Classification Sherloc (09022015). Collection method: clinical testing. Allele origin: germline.
Comment: This sequence change replaces threonine, which is neutral and polar, with isoleucine, which is neutral and non-polar, at codon 2089 of the COL12A1 protein (p.Thr2089Ile). This variant is present in population databases (no rsID available, gnomAD 0.003%). This variant has not been reported in the literature in individuals affected with COL12A1-related conditions. Advanced modeling of protein sequence and biophysical properties (such as structural, functional, and spatial information, amino acid conservation, physicochemical variation, residue mobility, and thermodynamic stability) has been performed at Invitae for this missense variant, however the output from this modeling did not meet the statistical confidence thresholds required to predict the impact of this variant on COL12A1 protein function. In summary, the available evidence is currently insufficient to determine the role of this variant in disease. Therefore, it has been classified as a Variant of Uncertain Significance.